The following is an entry in ClinVar:

NM_000137.4(FAH):c.456G>A (p.Trp152Ter)

Gene: FAH (fumarylacetoacetate hydrolase; plus strand). Cytogenetic location: 15q25.1.
Variant type: single nucleotide variant.
Coding change: c.456G>A on transcript NM_000137.4 (MANE Select); coding-DNA position 456, G replaced by A.
Protein change: p.Trp152Ter; replaces tryptophan 152 with a stop codon.
Molecular consequence: nonsense.
Genome position (GRCh38, 1-based): chr15:80,168,052, G>A. VCF-style: chr15-80168052-G-A. GRCh37 (hg19) VCF-style: chr15-80460394-G-A.
Other names: c.456G>A, p.Trp152Ter (NM_001374377.1, NM_001374380.1); short protein forms W152*.
Identifiers: ClinVar variation 92445 (VCV000092445.17), dbSNP rs370686447, ClinGen allele CA220370.

ClinVar aggregate classification (germline): Pathogenic/Likely pathogenic. Review status: criteria provided, multiple submitters, no conflicts (2 of 4 stars). 6 submissions from 6 submitters: Pathogenic (4); Likely pathogenic (1). 1 of the submissions does not count toward it. Last evaluated 2025-10-26.

Conditions:
Tyrosinemia type I (TYRSN1). Also called: FAH DEFICIENCY; HEPATORENAL TYROSINEMIA; Tyrosinemia type 1; Fumarylacetoacetase deficiency; Deficiency of fumarylacetoacetase. Identifiers: Orphanet 882, MedGen C0268490, MONDO:0010161, OMIM 276700. Disease mechanism: loss of function.

Allele frequency attached by ClinVar (database versions not stated): TOPMed 0.00003; ESP Exome Variant Server 0.00008.
gnomAD v4.1: 11 of 1,613,550 alleles (0.00068%); highest among the groups gnomAD compares: Non-Finnish European, 0.00093%; no homozygotes.

Submissions (6):

Natera, Inc.
Classification: Likely pathogenic for Tyrosinemia type I. Last evaluated: 2025-10-26. Review status: criteria provided, single submitter. Criteria: Natera Variant Classification Schema (03/2026). Collection method: clinical testing. Allele origin: germline.
Comment: The c.456G>A variant in FAH is a nonsense variant predicted to introduce a stop codon at amino acid 152. This variant is expected to result in nonsense mediated decay, truncation, or a dysfunctional protein product. This variant is rare in the general population with a frequency below the threshold expected for the associated phenotype(s). Given the available evidence, this variant is classified as Likely Pathogenic.

Labcorp Genetics (formerly Invitae), Labcorp
Classification: Pathogenic for Tyrosinemia type I. Last evaluated: 2024-01-16. Review status: criteria provided, single submitter. Criteria: Invitae Variant Classification Sherloc (09022015). Collection method: clinical testing. Allele origin: germline.
Comment: This sequence change creates a premature translational stop signal (p.Trp152*) in the FAH gene. It is expected to result in an absent or disrupted protein product. Loss-of-function variants in FAH are known to be pathogenic (PMID: 9101289, 9633815). This variant is present in population databases (rs370686447, gnomAD 0.003%). This variant has not been reported in the literature in individuals affected with FAH-related conditions. ClinVar contains an entry for this variant (Variation ID: 92445). For these reasons, this variant has been classified as Pathogenic.

Fulgent Genetics
Classification: Pathogenic for Tyrosinemia type I. Last evaluated: 2018-10-31. Review status: criteria provided, single submitter. Criteria: ACMG Guidelines, 2015. Collection method: clinical testing. Allele origin: unknown.

GeneDx
Classification: Pathogenic. Last evaluated: 2018-03-22. Review status: criteria provided, single submitter. Criteria: GeneDx Variant Classification (06012015). Collection method: clinical testing. Allele origin: germline. Affected: yes.
Comment: The W152X variant in the FAH gene has been reported previously in the compound heterozygous state in an individual with persistent diarrhea, hepatomegaly, ascites, elevated serum alpha-fetoprotein and tyrosine levels and elevated succinylacetone in urine. This variant is predicted to cause loss of normal protein function either through protein truncation or nonsense-mediated mRNA decay. The W152X variant is not observed at a significant frequency in large population cohorts (Lek et al., 2016). We interpret W152X as a pathogenic variant.

Eurofins Ntd Llc (ga)
Classification: Pathogenic. Last evaluated: 2013-06-26. Review status: criteria provided, single submitter. Criteria: EGL Classification Definitions. Collection method: clinical testing. Allele origin: germline. Observed: 2 variant alleles, 2 heterozygotes.

Counsyl
Classification: Likely pathogenic for Tyrosinemia type I. Last evaluated: 2017-09-28. Review status: no assertion criteria provided. Collection method: clinical testing. Allele origin: unknown. Not counted in ClinVar's aggregate classification.

Literature cited by the submitters: PubMed 9101289 (cited by Labcorp Genetics (formerly Invitae), Labcorp); PubMed 9633815 (cited by Labcorp Genetics (formerly Invitae), Labcorp).